The following is an entry in ClinVar:

NM_022436.3(ABCG5):c.64C>T (p.Gln22Ter)

Gene: ABCG5 (ATP binding cassette subfamily G member 5; minus strand). Cytogenetic location: 2p21.
Variant type: single nucleotide variant.
Coding change: c.64C>T on transcript NM_022436.3 (MANE Select); coding-DNA position 64, C replaced by T.
Protein change: p.Gln22Ter; replaces glutamine 22 with a stop codon.
Molecular consequence: nonsense.
Genome position (GRCh38, 1-based): chr2:43,838,616, G>A on the plus strand (C>T on the coding strand, the complement: ABCG5 is on the minus strand). VCF-style: chr2-43838616-G-A. GRCh37 (hg19) VCF-style: chr2-44065755-G-A.
Other names: short protein forms Q22*.
Identifiers: ClinVar variation 1704642 (VCV001704642.7), dbSNP rs781098379, ClinGen allele CA1636808.

ClinVar aggregate classification (germline): Pathogenic. Review status: criteria provided, multiple submitters, no conflicts (2 of 4 stars). 7 submissions from 6 submitters: Pathogenic (5). 2 of the submissions do not count toward it. Last evaluated 2026-03-10.

Conditions:
Sitosterolemia (STSL). Also called: PHYTOSTEROLEMIA. Identifiers: Orphanet 2882, MedGen C0342907, MONDO:0008863.
Abnormal circulating lipid concentration. Also called: Abnormality of lipid metabolism. Identifiers: MedGen C4025650, HP:0003119.
Hypercholesterolemia. Also called: Primary hypercholesterolemia; Hypercholesterolaemia. Identifiers: MedGen C0020443, MeSH D006937, HP:0003124.
Sitosterolemia 2. Identifiers: MedGen C5231453, MONDO:0020748, OMIM 618666.
ABCG5-related disorder. Also called: ABCG5-related condition.
Cardiovascular phenotype. Identifiers: MedGen CN230736.

Allele frequency attached by ClinVar (database versions not stated): gnomAD exomes 0.00001; ExAC 0.00010; TOPMed 0.00001.
gnomAD v4.1: 8 of 1,612,854 alleles (0.0005%); highest among the groups gnomAD compares: East Asian, 0.0045%; no homozygotes.

Submissions (7):

PreventionGenetics, part of Exact Sciences
Classification: Pathogenic for ABCG5-related condition. Last evaluated: 2026-03-10. Review status: criteria provided, single submitter. Criteria: ACMG Guidelines, 2015. Collection method: clinical testing. Allele origin: germline.
Comment: The ABCG5 c.64C>T variant is predicted to result in premature protein termination (p.Gln22*). This variant has been reported in the homozygous state in three siblings in a family with sitosterolaemia (Described as g.18802C>T p. Glu22*, Wang Z et al. 2014. PubMed ID: 24166850). This variant is reported in 0.027% of alleles in individuals of East Asian descent in gnomAD. Nonsense variants in ABCG5 are expected to be pathogenic. This variant is interpreted as likely pathogenic.

Dasa
Classification: Pathogenic. Last evaluated: 2025-05-28. Review status: criteria provided, single submitter. Criteria: DASA Assertion Criteria. Collection method: clinical testing. Allele origin: germline.
Comment: NM_022436.3(ABCG5):c.64C>T (p.Gln22*) introduces a premature termination codon predicted to result in loss of normal protein function. Loss-of-function is an established mechanism of disease for this gene. This variant has been observed in affected individuals with related phenotype in a genotype context consistent with recessive disease (PMID: 28696550). This variant has been reported in individuals with related phenotype (PMID: 28696550). The variant is present at low frequency in population datasets. Based on the available data, this variant is classified as pathogenic.

Labcorp Genetics (formerly Invitae), Labcorp
Classification: Pathogenic for Sitosterolemia. Last evaluated: 2024-12-08. Review status: criteria provided, single submitter. Criteria: Invitae Variant Classification Sherloc (09022015). Collection method: clinical testing. Allele origin: germline.
Comment: This sequence change creates a premature translational stop signal (p.Gln22*) in the ABCG5 gene. It is expected to result in an absent or disrupted protein product. Loss-of-function variants in ABCG5 are known to be pathogenic (PMID: 11138003, 25665839). This variant is present in population databases (rs781098379, gnomAD 0.03%). This premature translational stop signal has been observed in individual(s) with sitosterolemia (PMID: 17018391). ClinVar contains an entry for this variant (Variation ID: 1704642). For these reasons, this variant has been classified as Pathogenic.

Department of Interventional Cardiology – DSA, Gia Dinh People's Hospital
Classification: Pathogenic for Sitosterolemia 2. Last evaluated: 2024-07-11. Review status: criteria provided, single submitter. Criteria: ACMG Guidelines, 2015. Collection method: provider interpretation. Allele origin: germline. Inheritance: Autosomal recessive inheritance. Affected: yes. Observed: 1 variant allele, 1 compound heterozygote.
Comment: A heterozygous nonsense variant in exon 1 of the ABCG5 gene (chr2:g.43838616G>A; Depth: 142x) that results in a stop codon and premature truncation of the protein at codon 22 (p.Gln22Ter; ENST00000405322.8) was detected. The observed variant has previously been reported in patients affected with sitosterolemia [PMID:17018391, Clinvar: VCV001704642.2]. This variant has not been reported in the 1000 genomes, gnomAD (v3.1), gnomAD (v2.1) and our internal databases and has a minor allele frequency of 0.001% in the topmed database. The reference codon is conserved across mammals. Based on the above evidence, this ABCG5 variation is classified as a pathogenic variant.

Ambry Genetics
Classification: Pathogenic for Cardiovascular phenotype. Last evaluated: 2023-10-03. Review status: criteria provided, single submitter. Criteria: Ambry Variant Classification Scheme 2023. Collection method: clinical testing. Allele origin: germline.
Comment: The c.64C>T (p.Q22*) alteration, located in coding exon 1 of the ABCG5 gene, consists of a C to T substitution at nucleotide position 64. This changes the amino acid from a glutamine (Q) to a stop codon at amino acid position 22. This alteration is expected to result in loss of function by premature protein truncation or nonsense-mediated mRNA decay. Based on data from gnomAD, the T allele has an overall frequency of 0.005% (11/246872) total alleles studied. The highest observed frequency was 0.028% (5/18198) of East Asian alleles. This variant has also been reported in homozygous form in two unrelated Asian females who were both diagnosed with sitosterolemia and macrothrombocytopenia (Bastida, 2017). Based on the available evidence, this alteration is classified as pathogenic.

Department of Endocrinology, Genetics and Metabolism, Shanghai Children's Medical Center
Classification: Likely pathogenic for Hypercholesterolemia. Review status: no assertion criteria provided. Collection method: clinical testing. Allele origin: germline. Affected: yes. Not counted in ClinVar's aggregate classification.

Department of Endocrinology, Genetics and Metabolism, Shanghai Children's Medical Center
Classification: Likely pathogenic for Abnormal circulating lipid concentration. Review status: no assertion criteria provided. Collection method: clinical testing. Allele origin: paternal. Affected: yes. Not counted in ClinVar's aggregate classification.

Literature cited by the submitters: PubMed 28696550 (cited by Dasa and Ambry Genetics); PubMed 11138003 (cited by Labcorp Genetics (formerly Invitae), Labcorp); PubMed 25665839 (cited by Labcorp Genetics (formerly Invitae), Labcorp); PubMed 17018391 (cited by Labcorp Genetics (formerly Invitae), Labcorp and Department of Interventional Cardiology – DSA, Gia Dinh People's Hospital); PubMed 35042526 (cited by Ambry Genetics); PubMed 36991406 (cited by Ambry Genetics).